The following is an entry in ClinVar:

NM_000540.3(RYR1):c.9514A>G (p.Ile3172Val)

Gene: RYR1 (ryanodine receptor 1; plus strand). Cytogenetic location: 19q13.2.
Variant type: single nucleotide variant.
Coding change: c.9514A>G on transcript NM_000540.3 (MANE Select); coding-DNA position 9514, A replaced by G.
Protein change: p.Ile3172Val; replaces isoleucine 3172 with valine.
Molecular consequence: missense variant.
Genome position (GRCh38, 1-based): chr19:38,515,067, A>G. VCF-style: chr19-38515067-A-G. GRCh37 (hg19) VCF-style: chr19-39005707-A-G.
Other names: c.9514A>G, p.Ile3172Val (NM_001042723.2); short protein forms I3172V.
Identifiers: ClinVar variation 2203303 (VCV002203303.10), dbSNP rs752017854, ClinGen allele CA073744.
Genomic context (GRCh38, chr19:38,515,067, plus strand): 5'-CGCCCCCTGTCTCCCTCAGTGGACGACGTCCAGGTCTCTTGCTACCGAACGCTGTGCAGT[A>G]TCTACTCCCTGGGAACCACCAAGAACACTTATGTGGAAAAGTAAGGAGAGGGAGCCATCG-3'
Protein context (NP_000531.2, residues 3162-3182): QVSCYRTLCS[Ile3172Val]YSLGTTKNTY

ClinVar aggregate classification (germline): Uncertain significance. Review status: criteria provided, multiple submitters, no conflicts (2 of 4 stars). 6 submissions from 6 submitters: Uncertain significance (6). Last evaluated 2025-12-15.

Conditions:
RYR1-related disorder. Also called: RYR1-related disorders; RYR1-related condition. Identifiers: MedGen CN239331.
Inborn genetic diseases. Identifiers: MedGen C0950123, MeSH D030342.
Malignant hyperthermia, susceptibility to, 1 (MHS1). Also called: Malignant hyperthermia suceptibility 1; Anesthesia related hyperthermia; Malignant hyperpyrexia; Fulminating hyperpyrexia; Pharmacogenic myopathy; RYR1-Related Malignant Hyperthermia Susceptibility. Identifiers: Orphanet 423, MedGen C2930980, MONDO:0007783, OMIM 145600.

Allele frequency attached by ClinVar (database versions not stated): gnomAD exomes 0.00001; ExAC 0.00002; gnomAD 0.00003; TOPMed 0.00003.
gnomAD v4.1: 11 of 1,613,326 alleles (0.00068%); highest among the groups gnomAD compares: Admixed American, 0.013%; no homozygotes.

Submissions (6):

GeneDx
Classification: Uncertain significance. Last evaluated: 2025-12-15. Review status: criteria provided, single submitter. Criteria: GeneDx Variant Classification Process June 2021. Collection method: clinical testing. Allele origin: germline. Affected: yes.
Comment: Not observed at significant frequency in large population cohorts (gnomAD); In silico analysis suggests that this missense variant does not alter protein structure/function; Has not been previously published as pathogenic or benign to our knowledge; This variant is associated with the following publications: (PMID: 12668474)

Ambry Genetics
Classification: Uncertain significance for Inborn genetic diseases. Last evaluated: 2025-03-03. Review status: criteria provided, single submitter. Criteria: Ambry Variant Classification Scheme 2023. Collection method: clinical testing. Allele origin: germline.

Labcorp Genetics (formerly Invitae), Labcorp
Classification: Uncertain significance for RYR1-related disorder. Last evaluated: 2024-06-11. Review status: criteria provided, single submitter. Criteria: Invitae Variant Classification Sherloc (09022015). Collection method: clinical testing. Allele origin: germline.
Comment: This sequence change replaces isoleucine, which is neutral and non-polar, with valine, which is neutral and non-polar, at codon 3172 of the RYR1 protein (p.Ile3172Val). This variant is present in population databases (rs752017854, gnomAD 0.003%). This variant has not been reported in the literature in individuals affected with RYR1-related conditions. ClinVar contains an entry for this variant (Variation ID: 2203303). Advanced modeling of protein sequence and biophysical properties (such as structural, functional, and spatial information, amino acid conservation, physicochemical variation, residue mobility, and thermodynamic stability) performed at Invitae indicates that this missense variant is not expected to disrupt RYR1 protein function with a negative predictive value of 95%. In summary, the available evidence is currently insufficient to determine the role of this variant in disease. Therefore, it has been classified as a Variant of Uncertain Significance.

Revvity Omics, Revvity
Classification: Uncertain significance. Last evaluated: 2024-01-18. Review status: criteria provided, single submitter. Criteria: ACMG Guidelines, 2015. Collection method: clinical testing. Allele origin: germline.

All of Us Research Program, National Institutes of Health
Classification: Uncertain significance for Malignant hyperthermia, susceptibility to, 1. Last evaluated: 2023-12-18. Review status: criteria provided, single submitter. Criteria: ACMG Guidelines, 2015. Collection method: clinical testing. Allele origin: germline. Inheritance: Autosomal dominant inheritance. Observed: 3 variant alleles, 3 heterozygotes.
Comment: This missense variant replaces isoleucine with valine at codon 3172 of the RYR1 protein. Computational prediction suggests that this variant may not impact protein structure and function (internally defined REVEL score threshold <= 0.5, PMID: 27666373). To our knowledge, functional studies have not been reported for this variant. This variant has not been reported in individuals affected with RYR1-related disorders in the literature. This variant has been identified in 2/251330 chromosomes in the general population by the Genome Aggregation Database (gnomAD). The available evidence is insufficient to determine the role of this variant in disease conclusively. Therefore, this variant is classified as a Variant of Uncertain Significance.

This study involves interpretation of variants in research participants for the purpose of population health screening. Participant phenotype was not available at the time of variant classification. Additional details can be found in publication PMID: 35346344, PMCID: PMC8962531

Color Diagnostics, LLC DBA Color Health
Classification: Uncertain significance for Malignant hyperthermia, susceptibility to, 1. Last evaluated: 2023-11-22. Review status: criteria provided, single submitter. Criteria: ACMG Guidelines, 2015. Collection method: clinical testing. Allele origin: germline.
Comment: This missense variant replaces isoleucine with valine at codon 3172 of the RYR1 protein. Computational prediction suggests that this variant may not impact protein structure and function. To our knowledge, functional studies have not been reported for this variant. This variant has not been reported in individuals affected with RYR1-related disorders in the literature. This variant has been identified in 2/251330 chromosomes in the general population by the Genome Aggregation Database (gnomAD). The available evidence is insufficient to determine the role of this variant in disease conclusively. Therefore, this variant is classified as a Variant of Uncertain Significance.